The following is an entry in ClinVar:

NM_178822.5(IGSF10):c.7429C>T (p.Pro2477Ser)

Gene: IGSF10 (immunoglobulin superfamily member 10; minus strand). Cytogenetic location: 3q25.1.
Variant type: single nucleotide variant.
Coding change: c.7429C>T on transcript NM_178822.5 (MANE Select); coding-DNA position 7429, C replaced by T.
Protein change: p.Pro2477Ser; replaces proline 2477 with serine.
Molecular consequence: missense variant.
Genome position (GRCh38, 1-based): chr3:151,437,132, G>A on the plus strand (C>T on the coding strand, the complement: IGSF10 is on the minus strand). VCF-style: chr3-151437132-G-A. GRCh37 (hg19) VCF-style: chr3-151154920-G-A.
Other names: c.1366C>T, p.Pro456Ser (NM_001178145.3, NM_001178146.3); c.7429C>T, p.Pro2477Ser (NM_001385060.1, NM_001385061.1, NM_001385062.1 and 1 more transcripts); short protein forms P456S, P2477S.
Identifiers: ClinVar variation 1946452 (VCV001946452.5), dbSNP rs779590407, ClinGen allele CA2669265.
Genomic context (GRCh38, chr3:151,437,132, plus strand): 5'-TTGCTTCTTTAATGACTAAGGTGCCATTGTCATGCAATATGTATTTCCCATTAATTTGAG[G>A]CCTGTCTACTACATAACCACTTGGCATAGTCCATTTGATATTTGGCTTAGGGATTCCATC-3'
Protein context (NP_849144.2, residues 2467-2487): TMPSGYVVDR[Pro2477Ser]QINGKYILHD

ClinVar aggregate classification (germline): Uncertain significance (1 of 4 stars; one submission).

Allele frequency attached by ClinVar (database versions not stated): gnomAD exomes below 0.00001; ExAC 0.00001.
gnomAD v4.1: 1 of 1,614,024 alleles (0.000062%); highest among the groups gnomAD compares: Non-Finnish European, 0.000085%; no homozygotes.

Submission:

Labcorp Genetics (formerly Invitae), Labcorp
Classification: Uncertain significance. Last evaluated: 2022-09-27. Review status: criteria provided, single submitter. Criteria: Invitae Variant Classification Sherloc (09022015). Collection method: clinical testing. Allele origin: germline.
Comment: Algorithms developed to predict the effect of missense changes on protein structure and function output the following: SIFT: "Deleterious"; PolyPhen-2: "Probably Damaging"; Align-GVGD: "Class C0". The serine amino acid residue is found in multiple mammalian species, which suggests that this missense change does not adversely affect protein function. In summary, the available evidence is currently insufficient to determine the role of this variant in disease. Therefore, it has been classified as a Variant of Uncertain Significance. This variant has not been reported in the literature in individuals affected with IGSF10-related conditions. This variant is not present in population databases (gnomAD no frequency). This sequence change replaces proline, which is neutral and non-polar, with serine, which is neutral and polar, at codon 2477 of the IGSF10 protein (p.Pro2477Ser).